The following is an entry in ClinVar:

NM_015375.3(DSTYK):c.1930C>T (p.Gln644Ter)

Gene: DSTYK (dual serine/threonine and tyrosine protein kinase; minus strand). Cytogenetic location: 1q32.1.
Variant type: single nucleotide variant.
Coding change: c.1930C>T on transcript NM_015375.3 (MANE Select); coding-DNA position 1930, C replaced by T.
Protein change: p.Gln644Ter; replaces glutamine 644 with a stop codon.
Molecular consequence: nonsense.
Genome position (GRCh38, 1-based): chr1:205,161,276, G>A on the plus strand (C>T on the coding strand, the complement: DSTYK is on the minus strand). VCF-style: chr1-205161276-G-A. GRCh37 (hg19) VCF-style: chr1-205130404-G-A.
Other names: c.1930C>T, p.Gln644Ter (NM_199462.3); short protein forms Q644*.
Identifiers: ClinVar variation 4722358 (VCV004722358.1).

ClinVar aggregate classification (germline): Uncertain significance (1 of 4 stars; one submission).

gnomAD v4.1: 1 of 1,614,124 alleles (0.000062%); highest among the groups gnomAD compares: Non-Finnish European, 0.000085%; no homozygotes.

Submission:

Labcorp Genetics (formerly Invitae), Labcorp
Classification: Uncertain significance. Last evaluated: 2025-06-30. Review status: criteria provided, single submitter. Criteria: Invitae Variant Classification Sherloc (09022015). Collection method: clinical testing. Allele origin: germline.
Comment: This sequence change creates a premature translational stop signal (p.Gln644*) in the DSTYK gene. It is expected to result in an absent or disrupted protein product. However, the current clinical and genetic evidence is not sufficient to establish whether loss-of-function variants in DSTYK cause disease. This variant is not present in population databases (gnomAD no frequency). This variant has not been reported in the literature in individuals affected with DSTYK-related conditions. In summary, the available evidence is currently insufficient to determine the role of this variant in disease. Therefore, it has been classified as a Variant of Uncertain Significance.